The following is an entry in ClinVar:

NM_012310.5(KIF4A):c.223G>A (p.Gly75Ser)

Gene: KIF4A (kinesin family member 4A; plus strand). Cytogenetic location: Xq13.1.
Variant type: single nucleotide variant.
Coding change: c.223G>A on transcript NM_012310.5 (MANE Select); coding-DNA position 223, G replaced by A.
Protein change: p.Gly75Ser; replaces glycine 75 with serine.
Molecular consequence: missense variant.
Genome position (GRCh38, 1-based): chrX:70,290,793, G>A. VCF-style: chrX-70290793-G-A. GRCh37 (hg19) VCF-style: chrX-69510643-G-A.
Other names: short protein forms G75S.
Identifiers: ClinVar variation 3371714 (VCV003371714.1).

ClinVar aggregate classification (germline): Uncertain significance (1 of 4 stars; one submission).

Submission:

GeneDx
Classification: Uncertain significance. Last evaluated: 2024-03-29. Review status: criteria provided, single submitter. Criteria: GeneDx Variant Classification Process June 2021. Collection method: clinical testing. Allele origin: germline. Affected: yes.
Comment: Not observed at significant frequency in large population cohorts (gnomAD); In silico analysis supports that this missense variant does not alter protein structure/function; Has not been previously published as pathogenic or benign to our knowledge